The following is an entry in ClinVar:

NM_006164.5(NFE2L2):c.247T>C (p.Phe83Leu)

Gene: NFE2L2 (NFE2 like bZIP transcription factor 2; minus strand). Cytogenetic location: 2q31.2.
Variant type: single nucleotide variant.
Coding change: c.247T>C on transcript NM_006164.5 (MANE Select); coding-DNA position 247, T replaced by C.
Protein change: p.Phe83Leu; replaces phenylalanine 83 with leucine.
Molecular consequence: missense variant. On other transcripts: intron variant (2).
Genome position (GRCh38, 1-based): chr2:177,234,070, A>G on the plus strand (T>C on the coding strand, the complement: NFE2L2 is on the minus strand). VCF-style: chr2-177234070-A-G. GRCh37 (hg19) VCF-style: chr2-178098798-A-G.
Other names: c.199T>C, p.Phe67Leu (NM_001145412.3, NM_001145413.3, NM_001313900.1 and 1 more transcripts); c.247T>C, p.Phe83Leu (NM_001313902.2); c.12+6T>C (NM_001313904.1); c.93+154T>C (NM_001313903.2); short protein forms F67L, F83L.
Identifiers: ClinVar variation 1961189 (VCV001961189.5), dbSNP rs2105458479, ClinGen allele CA349380408.

ClinVar aggregate classification (germline): Uncertain significance (1 of 4 stars; one submission).

Allele frequency attached by ClinVar (database versions not stated): gnomAD exomes below 0.00001.
gnomAD v4.1: 3 of 1,614,176 alleles (0.00019%); highest among the groups gnomAD compares: Middle Eastern, 0.016%; no homozygotes.

Submission:

Labcorp Genetics (formerly Invitae), Labcorp
Classification: Uncertain significance. Last evaluated: 2022-10-19. Review status: criteria provided, single submitter. Criteria: Invitae Variant Classification Sherloc (09022015). Collection method: clinical testing. Allele origin: germline.
Comment: In summary, the available evidence is currently insufficient to determine the role of this variant in disease. Therefore, it has been classified as a Variant of Uncertain Significance. Algorithms developed to predict the effect of sequence changes on RNA splicing suggest that this variant may disrupt the consensus splice site. Advanced modeling of protein sequence and biophysical properties (such as structural, functional, and spatial information, amino acid conservation, physicochemical variation, residue mobility, and thermodynamic stability) has been performed at Invitae for this missense variant, however the output from this modeling did not meet the statistical confidence thresholds required to predict the impact of this variant on NFE2L2 protein function. This variant has not been reported in the literature in individuals affected with NFE2L2-related conditions. This variant is not present in population databases (gnomAD no frequency). This sequence change replaces phenylalanine, which is neutral and non-polar, with leucine, which is neutral and non-polar, at codon 83 of the NFE2L2 protein (p.Phe83Leu).